The following is an entry in ClinVar:

ClinVar aggregate classification (germline): Uncertain significance (1 of 4 stars; one submission).

Submission:

GeneDx
Classification: Uncertain significance. Last evaluated: 2025-08-06. Review status: criteria provided, single submitter. Criteria: GeneDx Variant Classification Process June 2021. Collection method: clinical testing. Allele origin: germline.
Comment: Not observed at significant frequency in large population cohorts (gnomAD); In silico analysis supports that this missense variant has a deleterious effect on protein structure/function; Has not been previously published as pathogenic or benign to our knowledge

NM_019074.4(DLL4):c.1423T>G (p.Cys475Gly)

Gene: DLL4 (delta like canonical Notch ligand 4; plus strand). Cytogenetic location: 15q15.1.
Variant type: single nucleotide variant.
Coding change: c.1423T>G on transcript NM_019074.4 (MANE Select); coding-DNA position 1423, T replaced by G.
Protein change: p.Cys475Gly; replaces cysteine 475 with glycine.
Molecular consequence: missense variant.
Genome position (GRCh38, 1-based): chr15:40,936,410, T>G. VCF-style: chr15-40936410-T-G. GRCh37 (hg19) VCF-style: chr15-41228608-T-G.
Other names: short protein forms C475G.
Identifiers: ClinVar variation 3899172 (VCV003899172.2).